The following is an entry in ClinVar:

NM_001374736.1(DST):c.13375T>G (p.Ser4459Ala)

Gene: DST (dystonin; minus strand). Cytogenetic location: 6p12.1.
Variant type: single nucleotide variant.
Coding change: c.13375T>G on transcript NM_001374736.1 (MANE Select); coding-DNA position 13375, T replaced by G.
Protein change: p.Ser4459Ala; replaces serine 4459 with alanine.
Molecular consequence: missense variant.
Genome position (GRCh38, 1-based): chr6:56,572,926, A>C on the plus strand (T>G on the coding strand, the complement: DST is on the minus strand). VCF-style: chr6-56572926-A-C. GRCh37 (hg19) VCF-style: chr6-56437724-A-C.
Other names: c.7018T>G, p.Ser2340Ala (NM_001144769.5); c.6604T>G, p.Ser2202Ala (NM_001144770.2); c.13375T>G, p.Ser4459Ala (NM_001374722.1); c.12742T>G, p.Ser4248Ala (NM_001374729.1); c.6484T>G, p.Ser2162Ala (NM_001374730.1, NM_001386100.1, NM_183380.4); c.13402T>G, p.Ser4468Ala (NM_001374734.1); c.5506T>G, p.Ser1836Ala (NM_015548.5); short protein forms S2162A, S2202A, S1836A, S2340A, S4459A, S4248A, S4468A.
Identifiers: ClinVar variation 2933736 (VCV002933736.3), dbSNP rs1185871542, ClinGen allele CA364527460.
Genomic context (GRCh38, chr6:56,572,926, plus strand): 5'-CTTTGGTTTTTAGCTCCTCCATTTTGGCAAGAGTTTCTTTGTGTTTATGACTTGCTTCTG[A>C]AAACCGAGCAGACAAGTCTTTCATTTTGGCTTGCAGTGAGGATGCAGTGGATGGATCTGT-3'
Protein context (NP_001361665.1, residues 4449-4469): AKMKDLSARF[Ser4459Ala]EASHKHKETL

ClinVar aggregate classification (germline): Uncertain significance (1 of 4 stars; one submission).

Conditions:
Hereditary sensory and autonomic neuropathy type 6. Also called: HSAN VI; Neuropathy, hereditary sensory and autonomic, type VI. Identifiers: Orphanet 314381, MedGen C3539003, MONDO:0013839, OMIM 614653.
Epidermolysis bullosa simplex 3, localized or generalized intermediate, with BP230 deficiency (EBS3). Also called: Epidermolysis bullosa simplex, autosomal recessive 2; Epidermolysis bullosa simplex due to BP230 deficiency. Identifiers: Orphanet 412181, MedGen C3809470, MONDO:0014180, OMIM 615425.

Allele frequency attached by ClinVar (database versions not stated): TOPMed 0.00001.

Submission:

Labcorp Genetics (formerly Invitae), Labcorp
Classification: Uncertain significance for Epidermolysis bullosa simplex 3, localized or generalized intermediate, with BP230 deficiency; Hereditary sensory and autonomic neuropathy type 6. Last evaluated: 2022-11-03. Review status: criteria provided, single submitter. Criteria: Invitae Variant Classification Sherloc (09022015). Collection method: clinical testing. Allele origin: germline.
Comment: The DST gene has multiple clinically relevant transcripts. This variant occurs in alternate transcript NM_015548.4, and corresponds to NM_001723.5:c.*42591T>G in the primary transcript. In summary, the available evidence is currently insufficient to determine the role of this variant in disease. Therefore, it has been classified as a Variant of Uncertain Significance. Experimental studies and prediction algorithms are not available or were not evaluated, and the functional significance of this variant is currently unknown. This variant has not been reported in the literature in individuals affected with DST-related conditions. This variant is not present in population databases (gnomAD no frequency). This sequence change replaces serine, which is neutral and polar, with alanine, which is neutral and non-polar, at codon 1836 of the DST protein (p.Ser1836Ala).